The following is an entry in ClinVar:

ClinVar aggregate classification (germline): Uncertain significance (1 of 4 stars; one submission).

Conditions:
Progressive microcephaly-seizures-cortical blindness-developmental delay syndrome. Also called: Seizures, cortical blindness, and microcephaly syndrome. Identifiers: Orphanet 477814, MedGen C5567650, MONDO:0014714, OMIM 616632.
Autosomal dominant nonsyndromic hearing loss 1. Also called: DEAFNESS, AUTOSOMAL DOMINANT 1, WITH OR WITHOUT THROMBOCYTOPENIA; KONIGSMARK SYNDROME. Identifiers: Orphanet 90635, MedGen C1852282, MONDO:0007424, OMIM 124900.

Allele frequency attached by ClinVar (database versions not stated): gnomAD exomes below 0.00001; gnomAD 0.00001.
gnomAD v4.1: 2 of 1,614,036 alleles (0.00012%); highest among the groups gnomAD compares: Non-Finnish European, 0.00017%; no homozygotes.

Submission:

Labcorp Genetics (formerly Invitae), Labcorp
Classification: Uncertain significance for Progressive microcephaly-seizures-cortical blindness-developmental delay syndrome; Autosomal dominant nonsyndromic hearing loss 1. Last evaluated: 2022-11-22. Review status: criteria provided, single submitter. Criteria: Invitae Variant Classification Sherloc (09022015). Collection method: clinical testing. Allele origin: germline.
Comment: ClinVar contains an entry for this variant (Variation ID: 1394920). In summary, the available evidence is currently insufficient to determine the role of this variant in disease. Therefore, it has been classified as a Variant of Uncertain Significance. Algorithms developed to predict the effect of missense changes on protein structure and function are either unavailable or do not agree on the potential impact of this missense change (SIFT: "Deleterious"; PolyPhen-2: "Not Available"; Align-GVGD: "Class C0"). This variant has not been reported in the literature in individuals affected with DIAPH1-related conditions. This variant is not present in population databases (gnomAD no frequency). This sequence change replaces serine, which is neutral and polar, with cysteine, which is neutral and slightly polar, at codon 171 of the DIAPH1 protein (p.Ser171Cys).

NM_005219.5(DIAPH1):c.512C>G (p.Ser171Cys)

Gene: DIAPH1 (diaphanous related formin 1; minus strand). Cytogenetic location: 5q31.3.
Variant type: single nucleotide variant.
Coding change: c.512C>G on transcript NM_005219.5 (MANE Select); coding-DNA position 512, C replaced by G.
Protein change: p.Ser171Cys; replaces serine 171 with cysteine.
Molecular consequence: missense variant.
Genome position (GRCh38, 1-based): chr5:141,583,506, G>C on the plus strand (C>G on the coding strand, the complement: DIAPH1 is on the minus strand). VCF-style: chr5-141583506-G-C. GRCh37 (hg19) VCF-style: chr5-140963073-G-C.
Other names: c.485C>G, p.Ser162Cys (NM_001079812.3); c.512C>G, p.Ser171Cys (NM_001314007.2); short protein forms S162C, S171C.
Identifiers: ClinVar variation 1394920 (VCV001394920.6), dbSNP rs1251709997, ClinGen allele CA361541552.